The following is an entry in ClinVar:

NM_052989.3(IFT122):c.3472C>T (p.Gln1158Ter)

Gene: IFT122 (intraflagellar transport 122; plus strand). Cytogenetic location: 3q22.1.
Variant type: single nucleotide variant.
Coding change: c.3472C>T on transcript NM_052989.3 (MANE Select); coding-DNA position 3472, C replaced by T.
Protein change: p.Gln1158Ter; replaces glutamine 1158 with a stop codon.
Molecular consequence: nonsense.
Genome position (GRCh38, 1-based): chr3:129,519,568, C>T. VCF-style: chr3-129519568-C-T. GRCh37 (hg19) VCF-style: chr3-129238411-C-T.
Other names: c.3451C>T, p.Gln1151Ter (NM_001280541.2); c.3022C>T, p.Gln1008Ter (NM_001280545.2); c.2845C>T, p.Gln949Ter (NM_001280546.2); c.3475C>T, p.Gln1159Ter (NM_001410808.1); c.3418C>T, p.Gln1140Ter (NM_001410809.1); c.3298C>T, p.Gln1100Ter (NM_001410810.1); c.3244C>T, p.Gln1082Ter (NM_001410811.1); c.3241C>T, p.Gln1081Ter (NM_001410813.1); and 10 more; short protein forms Q1029*, Q1047*, Q1048*, Q1081*, Q1107*, Q949*, Q1008*, Q1088*.
Identifiers: ClinVar variation 5003179 (VCV005003179.1).

ClinVar aggregate classification (germline): Likely pathogenic (1 of 4 stars; one submission).

gnomAD v4.1: 2 of 1,613,346 alleles (0.00012%); highest among the groups gnomAD compares: Non-Finnish European, 0.00017%; no homozygotes.

Submission:

OLLIN Analises Genomicas, OLLIN
Classification: Likely pathogenic. Last evaluated: 2026-08-06. Review status: criteria provided, single submitter. Criteria: ACMG Guidelines 2015 PMID 25741868. Collection method: clinical testing. Allele origin: germline.
Comment: This nonsense variant, located in exon 29 (of 30), has been observed in gnomAD with an allele frequency of 0.00012%, but has not been reported in ClinVar or identified in the literature. This variant introduces a premature stop codon, which is predicted to result in either a truncated protein or degradation of the mRNA via nonsense-mediated decay (NMD). According to the currently available evidence, this variant has been classified as likely pathogenic (PVS1, PM2_P).